The following is an entry in ClinVar:

ClinVar aggregate classification (germline): Uncertain significance. Review status: criteria provided, multiple submitters, no conflicts (2 of 4 stars). 4 submissions from 4 submitters: Uncertain significance (4). Last evaluated 2026-04-28.

Conditions:
Cardiovascular phenotype. Identifiers: MedGen CN230736.
Hereditary cancer-predisposing syndrome. Also called: Hereditary Cancer Syndrome; Hereditary neoplastic syndrome; Neoplastic Syndromes, Hereditary; Tumor predisposition. Identifiers: Orphanet 140162, MedGen C0027672, MeSH D009386, MONDO:0015356.
Noonan syndrome 10 (NS10). Identifiers: Orphanet 648, MedGen C4225280, MONDO:0014693, OMIM 616564.

Submissions (4):

Wales Gene Park, Division Of Cancer and Genetics, Cardiff University
Classification: Uncertain significance for Noonan syndrome 10. Last evaluated: 2026-04-28. Review status: criteria provided, single submitter. Criteria: ACGS Best Practice Guidelines for Variant Classification in Rare Disease 2024. Collection method: research. Allele origin: de novo. Inheritance: Autosomal dominant inheritance. Study: 100,000 Genomes Project (Wales).
Comment: De novo LZTR1 missense variant detected by trio genome sequencing. Not present in gnomAD (v4.1.1). REVEL score neutral 0.515. Phenotype consistent with gene but not highly specific. Evidence codes: PM2, PS2_moderate.

Labcorp Genetics (formerly Invitae), Labcorp
Classification: Uncertain significance. Last evaluated: 2024-07-06. Review status: criteria provided, single submitter. Criteria: Invitae Variant Classification Sherloc (09022015). Collection method: clinical testing. Allele origin: germline.
Comment: This sequence change replaces leucine, which is neutral and non-polar, with phenylalanine, which is neutral and non-polar, at codon 255 of the LZTR1 protein (p.Leu255Phe). This variant is not present in population databases (gnomAD no frequency). This variant has not been reported in the literature in individuals affected with LZTR1-related conditions. ClinVar contains an entry for this variant (Variation ID: 1759926). Advanced modeling of protein sequence and biophysical properties (such as structural, functional, and spatial information, amino acid conservation, physicochemical variation, residue mobility, and thermodynamic stability) performed at Invitae indicates that this missense variant is not expected to disrupt LZTR1 protein function with a negative predictive value of 80%. In summary, the available evidence is currently insufficient to determine the role of this variant in disease. Therefore, it has been classified as a Variant of Uncertain Significance.

Ambry Genetics
Classification: Uncertain significance for Cardiovascular phenotype; Hereditary cancer-predisposing syndrome. Last evaluated: 2022-06-01. Review status: criteria provided, single submitter. Criteria: Ambry Variant Classification Scheme 2023. Collection method: clinical testing. Allele origin: germline.
Comment: The p.L255F variant (also known as c.763C>T), located in coding exon 8 of the LZTR1 gene, results from a C to T substitution at nucleotide position 763. The leucine at codon 255 is replaced by phenylalanine, an amino acid with highly similar properties. This amino acid position is conserved. In addition, this alteration is predicted to be deleterious by in silico analysis. Since supporting evidence is limited at this time, the clinical significance of this alteration remains unclear.

Blueprint Genetics
Classification: Uncertain significance. Last evaluated: 2022-03-08. Review status: criteria provided, single submitter. Criteria: ACMG Guidelines, 2015. Collection method: clinical testing. Allele origin: germline.

NM_006767.4(LZTR1):c.763C>T (p.Leu255Phe)

Gene: LZTR1 (leucine zipper like post translational regulator 1; plus strand). Cytogenetic location: 22q11.21.
Variant type: single nucleotide variant.
Coding change: c.763C>T on transcript NM_006767.4 (MANE Select); coding-DNA position 763, C replaced by T.
Protein change: p.Leu255Phe; replaces leucine 255 with phenylalanine.
Molecular consequence: missense variant.
Genome position (GRCh38, 1-based): chr22:20,990,497, C>T. VCF-style: chr22-20990497-C-T. GRCh37 (hg19) VCF-style: chr22-21344786-C-T.
Other names: short protein forms L255F.
Identifiers: ClinVar variation 1759926 (VCV001759926.6), dbSNP rs2518615880, ClinGen allele CA410780650.